The following is an entry in ClinVar:

ClinVar aggregate classification (germline): Benign/Likely benign. Review status: criteria provided, multiple submitters, no conflicts (2 of 4 stars). 5 submissions from 5 submitters: Benign (4); Likely benign (1). Last evaluated 2026-02-01.

Conditions:
Weill-Marchesani 4 syndrome, recessive. Also called: Weill-Marchesani syndrome 4. Identifiers: Orphanet 363992, MedGen C2750787, MONDO:0013176, OMIM 613195.

Allele frequency attached by ClinVar (database versions not stated): 1000 Genomes Project 0.00379; 1000 Genomes Project 30x 0.00500; gnomAD 0.00512 and 0.00554; ESP Exome Variant Server 0.00615; TOPMed 0.00621; gnomAD exomes 0.00128; ExAC 0.00152.
gnomAD v4.1: 1,490 of 1,614,186 alleles (0.092%); highest among the groups gnomAD compares: African/African-American, 1.8%; 20 homozygotes.

Submissions (5):

Labcorp Genetics (formerly Invitae), Labcorp
Classification: Benign. Last evaluated: 2026-02-01. Review status: criteria provided, single submitter. Criteria: Invitae Variant Classification Sherloc (09022015). Collection method: clinical testing. Allele origin: germline.

Blueprint Genetics
Classification: Likely benign. Last evaluated: 2024-11-12. Review status: criteria provided, single submitter. Criteria: ACMG Guidelines, 2015. Collection method: clinical testing. Allele origin: germline.

Mayo Clinic Laboratories, Mayo Clinic
Classification: Benign. Last evaluated: 2024-07-09. Review status: criteria provided, single submitter. Criteria: ACMG Guidelines, 2015. Collection method: clinical testing. Allele origin: germline. Observed: 3 variant alleles.
Comment: BS1, BS2, BP4

Illumina Laboratory Services, Illumina
Classification: Benign for Weill-Marchesani 4 syndrome, recessive. Last evaluated: 2018-01-13. Review status: criteria provided, single submitter. Criteria: ICSL Variant Classification Criteria 13 December 2019. Collection method: clinical testing. Allele origin: germline.
Comment: This variant was observed in the ICSL laboratory as part of a predisposition screen in an ostensibly healthy population. It had not been previously curated by ICSL or reported in the Human Gene Mutation Database (HGMD: prior to June 1st, 2018), and was therefore a candidate for classification through an automated scoring system. Utilizing variant allele frequency, disease prevalence and penetrance estimates, and inheritance mode, an automated score was calculated to assess if this variant is too frequent to cause the disease. Based on the score and internal cut-off values, a variant classified as benign is not then subjected to further curation. The score for this variant resulted in a classification of benign for this disease.

Breakthrough Genomics
Classification: Benign. Review status: criteria provided, single submitter. Criteria: ACMG Guidelines, 2015. Collection method: not provided. Allele origin: germline. Inheritance: Autosomal recessive inheritance. Affected: yes.

NM_139057.4(ADAMTS17):c.2171G>A (p.Ser724Asn)

Gene: ADAMTS17 (ADAM metallopeptidase with thrombospondin type 1 motif 17; minus strand). Cytogenetic location: 15q26.3.
Variant type: single nucleotide variant.
Coding change: c.2171G>A on transcript NM_139057.4 (MANE Select); coding-DNA position 2171, G replaced by A.
Protein change: p.Ser724Asn; replaces serine 724 with asparagine.
Molecular consequence: missense variant.
Genome position (GRCh38, 1-based): chr15:100,054,021, C>T on the plus strand (G>A on the coding strand, the complement: ADAMTS17 is on the minus strand). VCF-style: chr15-100054021-C-T. GRCh37 (hg19) VCF-style: chr15-100594226-C-T.
Other names: p.Ser724Asn; short protein forms S724N.
Identifiers: ClinVar variation 783721 (VCV000783721.17), dbSNP rs73474408, ClinGen allele CA7757831.
Genomic context (GRCh38, chr15:100,054,021, plus strand): 5'-ACATAGCGAACAGTTGTGCCTGCAATCTGGAACTCTCCGGGGAGCTCTATCTTCCAGTCA[C>T]TGTTGATGGACCCCTTACCCGAGTCTTTGAGAGCTAGAAAGCAAGTTGAAGACCAAAGAA-3'
Protein context (NP_620688.2, residues 714-734): LKDSGKGSIN[Ser724Asn]DWKIELPGEF